The following is an entry in ClinVar:

NM_001040108.2(MLH3):c.3511A>G (p.Lys1171Glu)

Gene: MLH3 (mutL homolog 3; minus strand). Cytogenetic location: 14q24.3.
Variant type: single nucleotide variant.
Coding change: c.3511A>G on transcript NM_001040108.2 (MANE Select); coding-DNA position 3511, A replaced by G.
Protein change: p.Lys1171Glu; replaces lysine 1171 with glutamic acid.
Molecular consequence: missense variant.
Genome position (GRCh38, 1-based): chr14:75,039,970, T>C on the plus strand (A>G on the coding strand, the complement: MLH3 is on the minus strand). VCF-style: chr14-75039970-T-C. GRCh37 (hg19) VCF-style: chr14-75506673-T-C.
Other names: c.3511A>G, p.Lys1171Glu (NM_014381.3); short protein forms K1171E.
Identifiers: ClinVar variation 1732166 (VCV001732166.2), dbSNP rs2503195891, ClinGen allele CA390428819.

ClinVar aggregate classification (germline): Uncertain significance (1 of 4 stars; one submission).

Allele frequency attached by ClinVar (database versions not stated): gnomAD exomes below 0.00001.

Submission:

Ambry Genetics
Classification: Uncertain significance. Last evaluated: 2022-08-09. Review status: criteria provided, single submitter. Criteria: Ambry Variant Classification Scheme 2023. Collection method: clinical testing. Allele origin: germline.
Comment: The p.K1171E variant (also known as c.3511A>G), located in coding exon 4 of the MLH3 gene, results from an A to G substitution at nucleotide position 3511. The lysine at codon 1171 is replaced by glutamic acid, an amino acid with similar properties. This amino acid position is conserved. In addition, this alteration is predicted to be deleterious by in silico analysis. Since supporting evidence is limited at this time, the clinical significance of this alteration remains unclear.